The following is an entry in ClinVar:

ClinVar aggregate classification (germline): Pathogenic/Likely pathogenic. Review status: criteria provided, multiple submitters, no conflicts (2 of 4 stars). 5 submissions from 5 submitters: Pathogenic (4); Likely pathogenic (1). Last evaluated 2026-02-03.

Conditions:
IFT140-related disorders.
Asphyxiating thoracic dystrophy 1 (SRTD1). Also called: SHORT-RIB THORACIC DYSPLASIA 1 WITH OR WITHOUT POLYDACTYLY. Identifiers: Orphanet 474, MedGen C4551856, MONDO:0008831, OMIM 208500.
Saldino-Mainzer syndrome (SRTD9). Also called: short-rib thoracic dysplasia 9 with or without polydactyly; CONORENAL SYNDROME; Renal dysplasia, retinal pigmentary dystrophy, cerebellar ataxia and skeletal dysplasia; SHORT-RIB THORACIC DYSPLASIA 9 WITHOUT POLYDACTYLY. Identifiers: Orphanet 140969, MedGen C1849437, MONDO:0009964, OMIM 266920.
IFT140-related disorder. Also called: IFT140-related condition.
Retinitis pigmentosa 80 (RP80). Identifiers: MedGen C4540439, MONDO:0054708, OMIM 617781.

gnomAD v4.1: 16 of 1,614,026 alleles (0.00099%); highest among the groups gnomAD compares: Non-Finnish European, 0.0014%; no homozygotes.

Submissions (5):

PreventionGenetics, part of Exact Sciences
Classification: Pathogenic for IFT140-related condition. Last evaluated: 2026-02-03. Review status: criteria provided, single submitter. Criteria: ACMG Guidelines, 2015. Collection method: clinical testing. Allele origin: germline.
Comment: The IFT140 c.490G>T variant is predicted to result in premature protein termination (p.Glu164*). This variant has been reported in many individuals with IFT140-related disorders, including autosomal recessive Mainzer-Saldino syndrome and autosomal dominant polycystic kidney disease (ADPKD) (see for example, Schmidts et al. 2013. PubMed ID: 23418020; Senum et al 2021. PubMed ID: 34890546; PreventionGenetics, internal data). This variant has not been reported in a large population database (gnomAD), indicating this variant is rare. Nonsense variants in IFT140 are expected to be pathogenic. Since loss-of-function of IFT140 is the disease causing mechanism for both autosomal dominant and recessive IFT140-related disorders, this variant is interpreted as pathogenic for both autosomal dominant and recessive IFT140-related disorders.

Labcorp Genetics (formerly Invitae), Labcorp
Classification: Pathogenic for Saldino-Mainzer syndrome. Last evaluated: 2025-04-17. Review status: criteria provided, single submitter. Criteria: Invitae Variant Classification Sherloc (09022015). Collection method: clinical testing. Allele origin: germline.
Comment: This sequence change creates a premature translational stop signal (p.Glu164*) in the IFT140 gene. It is expected to result in an absent or disrupted protein product. Loss-of-function variants in IFT140 are known to be pathogenic (PMID: 22503633, 23418020, 24009529, 26216056). This variant is not present in population databases (gnomAD no frequency). This premature translational stop signal has been observed in individual(s) with Mainzer-Saldino syndrome (PMID: 23418020). ClinVar contains an entry for this variant (Variation ID: 1451353). For these reasons, this variant has been classified as Pathogenic.

Women's Health and Genetics/Laboratory Corporation of America, LabCorp
Classification: Pathogenic for Asphyxiating thoracic dystrophy 1. Last evaluated: 2024-08-07. Review status: criteria provided, single submitter. Criteria: LabCorp Variant Classification Summary - May 2015. Collection method: clinical testing. Allele origin: germline.
Comment: Variant summary: IFT140 c.490G>T (p.Glu164X) results in a premature termination codon, predicted to cause a truncation of the encoded protein or absence of the protein due to nonsense mediated decay, which are commonly known mechanisms for disease. The frequency data for this variant in gnomAD is considered unreliable, as metrics indicate poor data quality at this position. c.490G>T has been reported in the literature in at-least one individual affected with Skeletal Dysplasia (example: Schmidts_2014). The following publication has been ascertained in the context of this evaluation (PMID: 23418020). ClinVar contains an entry for this variant (Variation ID: 1451353). Based on the evidence outlined above, the variant was classified as pathogenic.

Fulgent Genetics
Classification: Pathogenic for Saldino-Mainzer syndrome; Retinitis pigmentosa 80. Last evaluated: 2024-05-09. Review status: criteria provided, single submitter. Criteria: ACMG Guidelines, 2015. Collection method: clinical testing. Allele origin: germline.

Blueprint Genetics
Classification: Likely pathogenic for IFT140-related disorders. Last evaluated: 2024-03-07. Review status: criteria provided, single submitter. Criteria: ACMG Guidelines, 2015. Collection method: clinical testing. Allele origin: germline. Affected: yes. Observed: 3 variant alleles.

Literature cited by the submitters: PubMed 22503633 (cited by Labcorp Genetics (formerly Invitae), Labcorp); PubMed 23418020 (cited by Labcorp Genetics (formerly Invitae), Labcorp and Women's Health and Genetics/Laboratory Corporation of America, LabCorp); PubMed 24009529 (cited by Labcorp Genetics (formerly Invitae), Labcorp); PubMed 26216056 (cited by Labcorp Genetics (formerly Invitae), Labcorp).

NM_014714.4(IFT140):c.490G>T (p.Glu164Ter)

Genes: IFT140 (intraflagellar transport 140; minus strand), LOC105371046 (uncharacterized LOC105371046; plus strand). Cytogenetic location: 16p13.3.
Variant type: single nucleotide variant.
Coding change: c.490G>T on transcript NM_014714.4 (MANE Select); coding-DNA position 490, G replaced by T.
Protein change: p.Glu164Ter; replaces glutamic acid 164 with a stop codon.
Molecular consequence: nonsense.
Genome position (GRCh38, 1-based): chr16:1,592,468, C>A on the plus strand (G>T on the coding strand, the complement: IFT140 is on the minus strand). VCF-style: chr16-1592468-C-A. GRCh37 (hg19) VCF-style: chr16-1642469-C-A.
Other names: c.490G>T (NM_014714.3); short protein forms E164*.
Identifiers: ClinVar variation 1451353 (VCV001451353.12), dbSNP rs559314300, ClinGen allele CA276686193.
Genomic context (GRCh38, chr16:1,592,468, plus strand): 5'-CTTCCCACCTCCCCCGATGTAAACACACACACAGGTCACAGGGCAAGCCCCACACTTACT[C>A]GCCAGGAGGGGGGAGCCGGAAGATGCAGTGCGTGAGGTGTTTCCCATACTCGTGTTTCAG-3'